The following is an entry in ClinVar:

ClinVar aggregate classification (germline): Uncertain significance. Review status: criteria provided, multiple submitters, no conflicts (2 of 4 stars). 4 submissions from 4 submitters: Uncertain significance (4). Last evaluated 2025-10-07.

Conditions:
Neurofibromatosis, type 1 (NF1). Also called: Neurofibromatosis, type I; VON RECKLINGHAUSEN DISEASE; Peripheral type neurofibromatosis; NEUROFIBROMATOSIS, TYPE I, SOMATIC. Identifiers: Orphanet 636, MedGen C0027831, MONDO:0018975, OMIM 162200. Disease mechanism: loss of function.
Cardiovascular phenotype. Identifiers: MedGen CN230736.
Hereditary cancer-predisposing syndrome. Also called: Neoplastic Syndromes, Hereditary; Hereditary Cancer Syndrome; Hereditary neoplastic syndrome; Tumor predisposition. Identifiers: Orphanet 140162, MedGen C0027672, MeSH D009386, MONDO:0015356.

Submissions (4):

Ambry Genetics
Classification: Uncertain significance for Cardiovascular phenotype; Hereditary cancer-predisposing syndrome. Last evaluated: 2025-10-07. Review status: criteria provided, single submitter. Criteria: Ambry Variant Classification Scheme 2023. Collection method: clinical testing. Allele origin: germline.
Comment: The p.Q1055E variant (also known as c.3163C>G), located in coding exon 24 of the NF1 gene, results from a C to G substitution at nucleotide position 3163. The glutamine at codon 1055 is replaced by glutamic acid, an amino acid with highly similar properties. This amino acid position is conserved. In addition, this alteration is predicted to be tolerated by in silico analysis. Based on the available evidence, the clinical significance of this variant remains unclear.

GeneDx
Classification: Uncertain significance. Last evaluated: 2024-08-15. Review status: criteria provided, single submitter. Criteria: GeneDx Variant Classification Process June 2021. Collection method: clinical testing. Allele origin: germline. Affected: yes.
Comment: Not observed at significant frequency in large population cohorts (gnomAD); In silico analysis indicates that this missense variant does not alter protein structure/function; Has not been previously published as pathogenic or benign to our knowledge; This variant is associated with the following publications: (PMID: 25486365, 2121369)

Labcorp Genetics (formerly Invitae), Labcorp
Classification: Uncertain significance for Neurofibromatosis, type 1. Last evaluated: 2024-06-19. Review status: criteria provided, single submitter. Criteria: Invitae Variant Classification Sherloc (09022015). Collection method: clinical testing. Allele origin: germline.
Comment: This sequence change replaces glutamine, which is neutral and polar, with glutamic acid, which is acidic and polar, at codon 1055 of the NF1 protein (p.Gln1055Glu). This variant is not present in population databases (gnomAD no frequency). This variant has not been reported in the literature in individuals affected with NF1-related conditions. ClinVar contains an entry for this variant (Variation ID: 853508). Advanced modeling of protein sequence and biophysical properties (such as structural, functional, and spatial information, amino acid conservation, physicochemical variation, residue mobility, and thermodynamic stability) has been performed at Invitae for this missense variant, however the output from this modeling did not meet the statistical confidence thresholds required to predict the impact of this variant on NF1 protein function. In summary, the available evidence is currently insufficient to determine the role of this variant in disease. Therefore, it has been classified as a Variant of Uncertain Significance.

Genome-Nilou Lab
Classification: Uncertain significance for Neurofibromatosis, type 1. Last evaluated: 2022-03-15. Review status: criteria provided, single submitter. Criteria: ACMG Guidelines, 2015. Collection method: clinical testing. Allele origin: germline. Affected: no.

NM_001042492.3(NF1):c.3163C>G (p.Gln1055Glu)

Gene: NF1 (neurofibromin 1; plus strand). Cytogenetic location: 17q11.2.
Variant type: single nucleotide variant.
Coding change: c.3163C>G on transcript NM_001042492.3 (MANE Select); coding-DNA position 3163, C replaced by G.
Protein change: p.Gln1055Glu; replaces glutamine 1055 with glutamic acid.
Molecular consequence: missense variant.
Genome position (GRCh38, 1-based): chr17:31,230,891, C>G. VCF-style: chr17-31230891-C-G. GRCh37 (hg19) VCF-style: chr17-29557909-C-G.
Other names: c.3163C>G, p.Gln1055Glu (NM_000267.4); short protein forms Q1055E.
Identifiers: ClinVar variation 853508 (VCV000853508.11), dbSNP rs866069972, ClinGen allele CA398988098.